The following is an entry in ClinVar:

ClinVar aggregate classification (germline): Uncertain significance (1 of 4 stars; one submission).

Conditions:
Joubert syndrome. Also called: Familial aplasia of the vermis; CEREBELLOPARENCHYMAL DISORDER IV; JOUBERT-BOLTSHAUSER SYNDROME. Identifiers: Orphanet 475, MedGen C5979921, MONDO:0018772.
Meckel-Gruber syndrome. Also called: Dysencephalia splachnocystica; DYSENCEPHALIA SPLANCHNOCYSTICA; GRUBER SYNDROME. Identifiers: Orphanet 564, MedGen C0265215, MONDO:0018921.

Allele frequency attached by ClinVar (database versions not stated): gnomAD exomes below 0.00001; gnomAD 0.00001; TOPMed 0.00002.
gnomAD v4.1: 2 of 1,612,410 alleles (0.00012%); highest among the groups gnomAD compares: African/African-American, 0.0027%; no homozygotes.

Submission:

Labcorp Genetics (formerly Invitae), Labcorp
Classification: Uncertain significance for Joubert syndrome; Meckel-Gruber syndrome. Last evaluated: 2022-06-14. Review status: criteria provided, single submitter. Criteria: Invitae Variant Classification Sherloc (09022015). Collection method: clinical testing. Allele origin: germline.
Comment: This sequence change replaces isoleucine, which is neutral and non-polar, with serine, which is neutral and polar, at codon 632 of the TMEM67 protein (p.Ile632Ser). This variant is present in population databases (no rsID available, gnomAD 0.007%). This variant has not been reported in the literature in individuals affected with TMEM67-related conditions. ClinVar contains an entry for this variant (Variation ID: 1036773). Algorithms developed to predict the effect of missense changes on protein structure and function (SIFT, PolyPhen-2, Align-GVGD) all suggest that this variant is likely to be tolerated. In summary, the available evidence is currently insufficient to determine the role of this variant in disease. Therefore, it has been classified as a Variant of Uncertain Significance.

NM_153704.6(TMEM67):c.1895T>G (p.Ile632Ser)

Gene: TMEM67 (transmembrane protein 67; plus strand). Cytogenetic location: 8q22.1.
Variant type: single nucleotide variant.
Coding change: c.1895T>G on transcript NM_153704.6 (MANE Select); coding-DNA position 1895, T replaced by G.
Protein change: p.Ile632Ser; replaces isoleucine 632 with serine.
Molecular consequence: missense variant. On other transcripts: non-coding transcript variant (1).
Genome position (GRCh38, 1-based): chr8:93,797,168, T>G. VCF-style: chr8-93797168-T-G. GRCh37 (hg19) VCF-style: chr8-94809396-T-G.
Other names: c.1652T>G, p.Ile551Ser (NM_001142301.1); short protein forms I551S, I632S.
Identifiers: ClinVar variation 1036773 (VCV001036773.6), dbSNP rs1440787153, ClinGen allele CA371693241.